The following is an entry in ClinVar:

ClinVar aggregate classification (germline): Uncertain significance (1 of 4 stars; one submission).

Conditions:
RASopathy. Also called: rasopathies; Noonan spectrum disorder. Identifiers: Orphanet 536391, MedGen C5555857, MONDO:0021060.

Submission:

Labcorp Genetics (formerly Invitae), Labcorp
Classification: Uncertain significance for RASopathy. Last evaluated: 2019-08-17. Review status: criteria provided, single submitter. Criteria: Invitae Variant Classification Sherloc (09022015). Collection method: clinical testing. Allele origin: germline.
Comment: In summary, the available evidence is currently insufficient to determine the role of this variant in disease. Therefore, it has been classified as a Variant of Uncertain Significance. The current clinical and genetic evidence is not sufficient to establish whether loss-of-function variants in CBL cause disease. This variant has not been reported in the literature in individuals with CBL-related conditions. This variant is not present in population databases (ExAC no frequency). This sequence change creates a premature translational stop signal (p.Leu578Profs*7) in the CBL gene. It is expected to result in an absent or disrupted protein product.

NM_005188.4(CBL):c.1732dup (p.Leu578fs)

Gene: CBL (Cbl proto-oncogene; plus strand). Cytogenetic location: 11q23.3.
Variant type: Duplication.
Coding change: c.1732dup on transcript NM_005188.4 (MANE Select); coding-DNA position 1732, one base duplicated (C; older notation c.1732dupC).
Protein change: p.Leu578fs; shifts the reading frame from leucine 578.
Molecular consequence: frameshift variant.
Genome position (GRCh38, 1-based): chr11:119,285,357, C duplicated. VCF-style (leftmost placement, unchanged base first): chr11-119285356-A-AC. GRCh37 (hg19) VCF-style: chr11-119156066-A-AC.
Other names: short protein forms L578fs.
Identifiers: ClinVar variation 964284 (VCV000964284.7), dbSNP rs1949974996, ClinGen allele CA1139662401.